The following is an entry in ClinVar:

ClinVar aggregate classification (germline): Likely benign. Review status: criteria provided, multiple submitters, no conflicts (2 of 4 stars). 4 submissions from 4 submitters: Likely benign (4). Last evaluated 2025-10-24.

Conditions:
COL2A1-related disorder. Also called: COL2A1-related condition; COL2A1-related disorders.

Allele frequency attached by ClinVar (database versions not stated): gnomAD 0.00002 and 0.00003; gnomAD exomes 0.00003 and 0.00006; TOPMed 0.00004; ExAC 0.00005.
gnomAD v4.1: 19 of 1,612,994 alleles (0.0012%); highest among the groups gnomAD compares: Admixed American, 0.03%; no homozygotes.

Submissions (4):

Labcorp Genetics (formerly Invitae), Labcorp
Classification: Likely benign. Last evaluated: 2025-10-24. Review status: criteria provided, single submitter. Criteria: Invitae Variant Classification Sherloc (09022015). Collection method: clinical testing. Allele origin: germline.

PreventionGenetics, part of Exact Sciences
Classification: Likely benign for COL2A1-related condition. Last evaluated: 2025-03-18. Review status: criteria provided, single submitter. Criteria: ACMG Guidelines, 2015. Collection method: clinical testing. Allele origin: germline.
Comment: This variant is classified as likely benign based on ACMG/AMP sequence variant interpretation guidelines (Richards et al. 2015 PMID: 25741868, with internal and published modifications).

GeneDx
Classification: Likely benign. Last evaluated: 2021-05-08. Review status: criteria provided, single submitter. Criteria: GeneDx Variant Classification Process June 2021. Collection method: clinical testing. Allele origin: germline. Affected: yes.

Blueprint Genetics
Classification: Likely benign. Last evaluated: 2020-11-02. Review status: criteria provided, single submitter. Criteria: ACMG Guidelines, 2015. Collection method: clinical testing. Allele origin: germline.

NM_001844.5(COL2A1):c.2781T>C (p.Gly927=)

Gene: COL2A1 (collagen type II alpha 1 chain; minus strand). Cytogenetic location: 12q13.11.
Variant type: single nucleotide variant.
Coding change: c.2781T>C on transcript NM_001844.5 (MANE Select); coding-DNA position 2781, T replaced by C.
Protein change: p.Gly927=; no amino-acid change (glycine 927 retained).
Molecular consequence: synonymous variant.
Genome position (GRCh38, 1-based): chr12:47,978,711, A>G on the plus strand (T>C on the coding strand, the complement: COL2A1 is on the minus strand). VCF-style: chr12-47978711-A-G. GRCh37 (hg19) VCF-style: chr12-48372494-A-G.
Other names: c.2574T>C, p.Gly858= (NM_033150.3).
Identifiers: ClinVar variation 1156739 (VCV001156739.14), dbSNP rs781135588, ClinGen allele CA6534981.